The following is an entry in ClinVar:

NM_001204.7(BMPR2):c.1259G>A (p.Cys420Tyr)

Gene: BMPR2 (bone morphogenetic protein receptor type 2; plus strand). Cytogenetic location: 2q33.2.
Variant type: single nucleotide variant.
Coding change: c.1259G>A on transcript NM_001204.7 (MANE Select); coding-DNA position 1259, G replaced by A.
Protein change: p.Cys420Tyr; replaces cysteine 420 with tyrosine.
Molecular consequence: missense variant.
Genome position (GRCh38, 1-based): chr2:202,532,715, G>A. VCF-style: chr2-202532715-G-A. GRCh37 (hg19) VCF-style: chr2-203397438-G-A.
Other names: NM_001204.7(BMPR2):c.1259G>A; p.Cys420Tyr; c.1259G>A (LRG_712t1); short protein forms C420Y.
Identifiers: ClinVar variation 425907 (VCV000425907.12), dbSNP rs1085307325, ClinGen allele CA350341979.

ClinVar aggregate classification (germline): Likely pathogenic. Review status: reviewed by expert panel (3 of 4 stars). 3 submissions from 3 submitters: Likely pathogenic (1). 2 of the submissions do not count toward it. Last evaluated 2026-04-10.

Conditions:
Pulmonary arterial hypertension. Identifiers: Orphanet 182090, MedGen C2973725, MeSH D000081029, MONDO:0015924, HP:0002092.
Primary pulmonary hypertension. Also called: Idiopathic pulmonary hypertension. Identifiers: MedGen C0152171.
Pulmonary hypertension, primary, 1 (PPH1). Also called: Pulmonary hypertension, familial primary, 1, with or without HHT. Identifiers: Orphanet 422, MedGen C4552070, MONDO:0024533, OMIM 178600.

Submissions (3):

Clingen Pulmonary Hypertension Variant Curation Expert Panel, ClinGen
Classification: Likely pathogenic for Pulmonary arterial hypertension. Last evaluated: 2026-04-10. Review status: reviewed by expert panel. Criteria: ClinGen PH ACMG Specifications BMPR2 V2.0.0. Collection method: curation. Allele origin: germline. Inheritance: Autosomal dominant inheritance.
Comment: BMPR2 c.1259G>A is a missense variant predicted to cause substitution of cysteine to tyrosine at amino acid position 420 (p.Cys420Tyr). The variant is absent from gnomAD v2.1.1 and v4.1 (PM2_supporting). A REVEL score of 0.924 meets PP3_supporting (>0.75). This variant resides within the conserved catalytic kinase domain but does not affect a known critical residue (PM1_moderate). The variant has been reported in four unrelated PAH probands (PMID: 15146475, 16429395, 21737554) with additional citations referring back to the same individuals (PMID: 21801371, 32634488, 30578397) (PS4_moderate). A different missense variant at the same amino acid residue, p.Cys420Arg (PMID: 11115378, 21801371) was previously classified by the PH VCEP as pathogenic (PM5_moderate). In summary, this variant meets the criteria to be classified as a likely pathogenic variant for pulmonary arterial hypertension based on the ACMG/AMP criteria applied, as specified by the ClinGen Pulmonary Hypertension VCEP: PS4_moderate, PM1_moderate, PM5_moderate, PM2_supporting, PP3_supporting (VCEP specification version 2.0, 1/30/2026).

Labcorp Genetics (formerly Invitae), Labcorp
Classification: Pathogenic for Primary pulmonary hypertension. Last evaluated: 2022-02-28. Review status: criteria provided, single submitter. Criteria: Invitae Variant Classification Sherloc (09022015). Collection method: clinical testing. Allele origin: germline. Not counted in ClinVar's aggregate classification.
Comment: For these reasons, this variant has been classified as Pathogenic. This variant disrupts the p.Cys420 amino acid residue in BMPR2. Other variant(s) that disrupt this residue have been observed in individuals with BMPR2-related conditions (PMID: 21801371, 27453251), which suggests that this may be a clinically significant amino acid residue. Advanced modeling of protein sequence and biophysical properties (such as structural, functional, and spatial information, amino acid conservation, physicochemical variation, residue mobility, and thermodynamic stability) performed at Invitae indicates that this missense variant is expected to disrupt BMPR2 protein function. ClinVar contains an entry for this variant (Variation ID: 425907). This missense change has been observed in individuals with pulmonary arterial hypertension (PMID: 15146475, 21737554, 21801371; Invitae). This variant is not present in population databases (gnomAD no frequency). This sequence change replaces cysteine, which is neutral and slightly polar, with tyrosine, which is neutral and polar, at codon 420 of the BMPR2 protein (p.Cys420Tyr).

Rare Disease Genomics Group, St George's University of London
Classification: Pathogenic for Primary pulmonary hypertension. Review status: no assertion criteria provided. Collection method: literature only. Allele origin: germline. Affected: yes. Not counted in ClinVar's aggregate classification.

Literature cited by the submitters: PubMed 21801371 (cited by Labcorp Genetics (formerly Invitae), Labcorp and Rare Disease Genomics Group, St George's University of London); PubMed 27453251 (cited by Labcorp Genetics (formerly Invitae), Labcorp); PubMed 15146475 (cited by Labcorp Genetics (formerly Invitae), Labcorp and Rare Disease Genomics Group, St George's University of London); PubMed 21737554 (cited by Labcorp Genetics (formerly Invitae), Labcorp and Rare Disease Genomics Group, St George's University of London); PubMed 16429395 (cited by Rare Disease Genomics Group, St George's University of London).